The following is an entry in ClinVar:

ClinVar aggregate classification (germline): Uncertain significance. Review status: criteria provided, multiple submitters, no conflicts (2 of 4 stars). 4 submissions from 4 submitters: Uncertain significance (4). Last evaluated 2025-11-03.

Conditions:
C3 glomerulonephritis. Also called: Nephropathy due to CFHR5 Deficiency; C3 GLOMERULOPATHY 3. Identifiers: Orphanet 329931, MedGen C4055342, MONDO:0013892, OMIM 614809.
Inborn genetic diseases. Identifiers: MedGen C0950123, MeSH D030342.

gnomAD v4.1: 15 of 1,613,508 alleles (0.00093%); highest among the groups gnomAD compares: Admixed American, 0.023%; no homozygotes.

Submissions (4):

Ambry Genetics
Classification: Uncertain significance for Inborn genetic diseases. Last evaluated: 2025-11-03. Review status: criteria provided, single submitter. Criteria: Ambry Variant Classification Scheme 2023. Collection method: clinical testing. Allele origin: germline.
Comment: The c.1006C>G (p.R336G) alteration is located in exon 9 (coding exon 9) of the CFI gene. This alteration results from a C to G substitution at nucleotide position 1006, causing the arginine (R) at amino acid position 336 to be replaced by a glycine (G). Based on data from gnomAD, this allele has an overall frequency of 0.005% (13/251314) total alleles studied. The highest observed frequency was 0.035% (12/34590) of Latino alleles. This amino acid position is highly conserved in available vertebrate species. This alteration is predicted to be deleterious by in silico analysis. Based on insufficient or conflicting evidence, the clinical significance of this alteration remains unclear.

Genomenon, Inc
Classification: Uncertain significance for C3 glomerulonephritis. Last evaluated: 2025-09-26. Review status: criteria provided, single submitter. Criteria: Genomenon Sequence Variant Interpretation Standards - Updated. Collection method: curation. Allele origin: germline. Affected: yes.
Comment: CFI p.Arg336Gly (c.1006C>G) is a missense variant that changes the amino acid at residue 336 from Arginine to Glycine. This variant has been observed in at least one proband affected with C3 glomerulonephritis (PMID:35619721). Functional studies have been reported; however, the significance of the findings remain unclear (PMID:35619721). It is absent or not present at a significant frequency in gnomAD. In silico models agree that this variant is possibly or probably damaging. In conclusion, we classify CFI p.Arg336Gly (c.1006C>G) as a variant of unknown significance.

Women's Health and Genetics/Laboratory Corporation of America, LabCorp
Classification: Uncertain significance. Last evaluated: 2025-04-21. Review status: criteria provided, single submitter. Criteria: LabCorp Variant Classification Summary - May 2015. Collection method: clinical testing. Allele origin: germline.
Comment: Variant summary: CFI c.1006C>G (p.Arg336Gly) results in a non-conservative amino acid change in the encoded protein sequence. Five of five in-silico tools predict a damaging effect of the variant on protein function. The variant allele was found at a frequency of 5.2e-05 in 251314 control chromosomes, predominantly at a frequency of 0.00035 within the Latino subpopulation in the gnomAD database. The observed variant frequency within Latino control individuals in the gnomAD database is approximately 3500 fold of the estimated maximal expected allele frequency for a pathogenic variant in CFI causing Genetic Atypical Hemolytic Uremic Syndrome phenotype (1e-07). c.1006C>G has been observed at a heterozygous state in one individual affected with C3 glomerulopathy (Zhang_2022). These data do not allow any conclusion about variant significance. At least one publication reports experimental evidence evaluating an impact on protein function. The most pronounced variant effect results in unprocessed single chain of CFI (Zhang_2022). The following publication have been ascertained in the context of this evaluation (PMID: 35619721). ClinVar contains an entry for this variant (Variation ID: 3603948). Based on the evidence outlined above, the variant was classified as uncertain significance.

Labcorp Genetics (formerly Invitae), Labcorp
Classification: Uncertain significance. Last evaluated: 2025-04-08. Review status: criteria provided, single submitter. Criteria: Invitae Variant Classification Sherloc (09022015). Collection method: clinical testing. Allele origin: germline.
Comment: This sequence change replaces arginine, which is basic and polar, with glycine, which is neutral and non-polar, at codon 336 of the CFI protein (p.Arg336Gly). This variant is present in population databases (rs759676430, gnomAD 0.04%). This missense change has been observed in individual(s) with clinical features of CFI-related condition (PMID: 35619721). ClinVar contains an entry for this variant (Variation ID: 3603948). Invitae Evidence Modeling of protein sequence and biophysical properties (such as structural, functional, and spatial information, amino acid conservation, physicochemical variation, residue mobility, and thermodynamic stability) indicates that this missense variant is expected to disrupt CFI protein function with a positive predictive value of 80%. In summary, the available evidence is currently insufficient to determine the role of this variant in disease. Therefore, it has been classified as a Variant of Uncertain Significance.

Literature cited by the submitters: PubMed 35619721 (cited by 4 submitters).

NM_000204.5(CFI):c.1006C>G (p.Arg336Gly)

Gene: CFI (complement factor I; minus strand). Cytogenetic location: 4q25.
Variant type: single nucleotide variant.
Coding change: c.1006C>G on transcript NM_000204.5 (MANE Select); coding-DNA position 1006, C replaced by G.
Protein change: p.Arg336Gly; replaces arginine 336 with glycine.
Molecular consequence: missense variant. On other transcripts: non-coding transcript variant (3).
Genome position (GRCh38, 1-based): chr4:109,749,537, G>C on the plus strand (C>G on the coding strand, the complement: CFI is on the minus strand). VCF-style: chr4-109749537-G-C. GRCh37 (hg19) VCF-style: chr4-110670693-G-C.
Other names: c.1030C>G, p.Arg344Gly (NM_001318057.2, NM_001375278.1); c.985C>G, p.Arg329Gly (NM_001331035.2, NM_001375280.1, NM_001375282.1); c.1006C>G, p.Arg336Gly (NM_001375279.1, NM_001375281.1); c.949C>G, p.Arg317Gly (NM_001375283.1); c.397C>G, p.Arg133Gly (NM_001375284.1); short protein forms R133G, R317G, R329G, R336G, R344G.
Identifiers: ClinVar variation 3603948 (VCV003603948.6).